The following is an entry in ClinVar:

NM_000834.5(GRIN2B):c.4282A>C (p.Lys1428Gln)

Gene: GRIN2B (glutamate ionotropic receptor NMDA type subunit 2B; minus strand). Cytogenetic location: 12p13.1.
Variant type: single nucleotide variant.
Coding change: c.4282A>C on transcript NM_000834.5 (MANE Select); coding-DNA position 4282, A replaced by C.
Protein change: p.Lys1428Gln; replaces lysine 1428 with glutamine.
Molecular consequence: missense variant.
Genome position (GRCh38, 1-based): chr12:13,562,956, T>G on the plus strand (A>C on the coding strand, the complement: GRIN2B is on the minus strand). VCF-style: chr12-13562956-T-G. GRCh37 (hg19) VCF-style: chr12-13715890-T-G.
Other names: short protein forms K1428Q.
Identifiers: ClinVar variation 1341700 (VCV001341700.2), dbSNP rs1555101597, ClinGen allele CA383985635.

ClinVar aggregate classification (germline): Uncertain significance (1 of 4 stars; one submission).

Conditions:
Intellectual developmental disorder, autosomal dominant 6, with or without seizures. Also called: GRIN2B-related developmental delay, intellectual disability and autism spectrum disorder; Intellectual disability, autosomal dominant 6. Identifiers: Orphanet 589547, MedGen C3151411, MONDO:0013509, OMIM 613970.

Submission:

New York Genome Center
Classification: Uncertain significance for Intellectual developmental disorder, autosomal dominant 6, with or without seizures. Last evaluated: 2020-05-29. Review status: criteria provided, single submitter. Criteria: NYGC Assertion Criteria 2020. Collection method: clinical testing. Allele origin: germline. Observed: 1 heterozygote. Study: CSER-NYCKidSeq.